The following is an entry in ClinVar:

ClinVar aggregate classification (germline): Uncertain significance (1 of 4 stars; one submission).

gnomAD v4.1: 4 of 1,614,130 alleles (0.00025%); highest among the groups gnomAD compares: Non-Finnish European, 0.00034%; no homozygotes.

Submission:

Athena Diagnostics
Classification: Uncertain significance. Last evaluated: 2024-11-13. Review status: criteria provided, single submitter. Criteria: Athena Diagnostics Criteria. Collection method: clinical testing. Allele origin: unknown.
Comment: Available data are insufficient to determine the clinical significance of the variant at this time. The frequency of this variant in the general population is uninformative in assessment of its pathogenicity. Polyphen and MutationTaster predict this amino acid change may be benign.

NM_182961.4(SYNE1):c.11426T>C (p.Met3809Thr)

Gene: SYNE1 (spectrin repeat containing nuclear envelope protein 1; minus strand). Cytogenetic location: 6q25.2.
Variant type: single nucleotide variant.
Coding change: c.11426T>C on transcript NM_182961.4 (MANE Select); coding-DNA position 11426, T replaced by C.
Protein change: p.Met3809Thr; replaces methionine 3809 with threonine.
Molecular consequence: missense variant.
Genome position (GRCh38, 1-based): chr6:152,352,181, A>G on the plus strand (T>C on the coding strand, the complement: SYNE1 is on the minus strand). VCF-style: chr6-152352181-A-G. GRCh37 (hg19) VCF-style: chr6-152673316-A-G.
Other names: c.11381T>C, p.Met3794Thr (NM_033071.5); short protein forms M3794T, M3809T.
Identifiers: ClinVar variation 3571872 (VCV003571872.1).